The following is an entry in ClinVar:

ClinVar aggregate classification (germline): Uncertain significance. Review status: criteria provided, multiple submitters, no conflicts (2 of 4 stars). 2 submissions from 2 submitters: Uncertain significance (2). Last evaluated 2023-11-28.

Allele frequency attached by ClinVar (database versions not stated): ExAC 0.00001; gnomAD exomes 0.00002; TOPMed 0.00003; gnomAD 0.00004.
gnomAD v4.1: 41 of 1,613,714 alleles (0.0025%); highest among the groups gnomAD compares: South Asian, 0.0022%; no homozygotes.

Submissions (2):

Blueprint Genetics
Classification: Uncertain significance. Last evaluated: 2023-11-28. Review status: criteria provided, single submitter. Criteria: ACMG Guidelines, 2015. Collection method: clinical testing. Allele origin: germline.

Labcorp Genetics (formerly Invitae), Labcorp
Classification: Uncertain significance. Last evaluated: 2021-09-01. Review status: criteria provided, single submitter. Criteria: Invitae Variant Classification Sherloc (09022015). Collection method: clinical testing. Allele origin: germline.
Comment: This sequence change replaces arginine with histidine at codon 576 of the ZNF341 protein (p.Arg576His). The arginine residue is highly conserved and there is a small physicochemical difference between arginine and histidine. This variant is present in population databases (rs781037628, ExAC 0.02%). This variant has not been reported in the literature in individuals affected with ZNF341-related conditions. Algorithms developed to predict the effect of missense changes on protein structure and function are either unavailable or do not agree on the potential impact of this missense change (SIFT: "Deleterious"; PolyPhen-2: "Benign"; Align-GVGD: "Class C0"). In summary, the available evidence is currently insufficient to determine the role of this variant in disease. Therefore, it has been classified as a Variant of Uncertain Significance.

NM_001282933.2(ZNF341):c.1748G>A (p.Arg583His)

Gene: ZNF341 (zinc finger protein 341; plus strand). Cytogenetic location: 20q11.22.
Variant type: single nucleotide variant.
Coding change: c.1748G>A on transcript NM_001282933.2 (MANE Select); coding-DNA position 1748, G replaced by A.
Protein change: p.Arg583His; replaces arginine 583 with histidine.
Molecular consequence: missense variant. On other transcripts: non-coding transcript variant (1).
Genome position (GRCh38, 1-based): chr20:33,783,760, G>A. VCF-style: chr20-33783760-G-A. GRCh37 (hg19) VCF-style: chr20-32371566-G-A.
Other names: c.1478G>A, p.Arg493His (NM_001282935.2); c.1727G>A, p.Arg576His (NM_032819.5); short protein forms R583H, R576H, R493H.
Identifiers: ClinVar variation 1507854 (VCV001507854.6), dbSNP rs781037628, ClinGen allele CA9819546.